The following is an entry in ClinVar:

ClinVar aggregate classification (germline): Uncertain significance. Review status: criteria provided, multiple submitters, no conflicts (2 of 4 stars). 4 submissions from 4 submitters: Uncertain significance (4). Last evaluated 2025-08-15.

Conditions:
Familial cancer of breast. Also called: BREAST CANCER, FAMILIAL; Hereditary breast cancer; hereditary breast carcinoma. Identifiers: Orphanet 227535, MedGen C0346153, MONDO:0016419, OMIM 114480. Disease mechanism: loss of function.
Hereditary cancer-predisposing syndrome. Also called: Neoplastic Syndromes, Hereditary; Hereditary Cancer Syndrome; Hereditary neoplastic syndrome; Tumor predisposition. Identifiers: Orphanet 140162, MedGen C0027672, MeSH D009386, MONDO:0015356.

Allele frequency attached by ClinVar (database versions not stated): gnomAD exomes below 0.00001.
gnomAD v4.1: 1 of 1,614,222 alleles (0.000062%); no homozygotes.

Submissions (4):

Labcorp Genetics (formerly Invitae), Labcorp
Classification: Uncertain significance for Familial cancer of breast. Last evaluated: 2025-08-15. Review status: criteria provided, single submitter. Criteria: Invitae Variant Classification Sherloc (09022015). Collection method: clinical testing. Allele origin: germline.
Comment: This sequence change replaces proline, which is neutral and non-polar, with leucine, which is neutral and non-polar, at codon 810 of the PALB2 protein (p.Pro810Leu). This variant is not present in population databases (gnomAD no frequency). This variant has not been reported in the literature in individuals affected with PALB2-related conditions. ClinVar contains an entry for this variant (Variation ID: 460942). Invitae Evidence Modeling of protein sequence and biophysical properties (such as structural, functional, and spatial information, amino acid conservation, physicochemical variation, residue mobility, and thermodynamic stability) indicates that this missense variant is not expected to disrupt PALB2 protein function with a negative predictive value of 80%. In summary, the available evidence is currently insufficient to determine the role of this variant in disease. Therefore, it has been classified as a Variant of Uncertain Significance.

Baylor Genetics
Classification: Uncertain significance for Familial cancer of breast. Last evaluated: 2023-08-02. Review status: criteria provided, single submitter. Criteria: ACMG Guidelines, 2015. Collection method: clinical testing. Allele origin: unknown.

Ambry Genetics
Classification: Uncertain significance for Hereditary cancer-predisposing syndrome. Last evaluated: 2023-01-22. Review status: criteria provided, single submitter. Criteria: Ambry Variant Classification Scheme 2023. Collection method: clinical testing. Allele origin: germline.
Comment: The p.P810L variant (also known as c.2429C>T), located in coding exon 5 of the PALB2 gene, results from a C to T substitution at nucleotide position 2429. The proline at codon 810 is replaced by leucine, an amino acid with similar properties. This amino acid position is conserved. In addition, this alteration is predicted to be tolerated by in silico analysis. Since supporting evidence is limited at this time, the clinical significance of this alteration remains unclear.

Color Diagnostics, LLC DBA Color Health
Classification: Uncertain significance for Hereditary cancer-predisposing syndrome. Last evaluated: 2018-07-29. Review status: criteria provided, single submitter. Criteria: ACMG Guidelines, 2015. Collection method: clinical testing. Allele origin: germline.

NM_024675.4(PALB2):c.2429C>T (p.Pro810Leu)

Gene: PALB2 (partner and localizer of BRCA2; minus strand). Cytogenetic location: 16p12.2.
Variant type: single nucleotide variant.
Coding change: c.2429C>T on transcript NM_024675.4 (MANE Select); coding-DNA position 2429, C replaced by T.
Protein change: p.Pro810Leu; replaces proline 810 with leucine.
Molecular consequence: missense variant.
Genome position (GRCh38, 1-based): chr16:23,629,725, G>A on the plus strand (C>T on the coding strand, the complement: PALB2 is on the minus strand). VCF-style: chr16-23629725-G-A. GRCh37 (hg19) VCF-style: chr16-23641046-G-A.
Other names: short protein forms P810L.
Identifiers: ClinVar variation 460942 (VCV000460942.16), dbSNP rs1555460335, ClinGen allele CA395124283.